The following is an entry in ClinVar:

NM_001170629.2(CHD8):c.7583C>T (p.Thr2528Ile)

Gene: CHD8 (chromodomain helicase DNA binding protein 8; minus strand). Cytogenetic location: 14q11.2.
Variant type: single nucleotide variant.
Coding change: c.7583C>T on transcript NM_001170629.2 (MANE Select); coding-DNA position 7583, C replaced by T.
Protein change: p.Thr2528Ile; replaces threonine 2528 with isoleucine.
Molecular consequence: missense variant.
Genome position (GRCh38, 1-based): chr14:21,385,776, G>A on the plus strand (C>T on the coding strand, the complement: CHD8 is on the minus strand). VCF-style: chr14-21385776-G-A. GRCh37 (hg19) VCF-style: chr14-21853935-G-A.
Other names: c.6746C>T, p.Thr2249Ile (NM_020920.4); short protein forms T2249I, T2528I.
Identifiers: ClinVar variation 1989230 (VCV001989230.4), dbSNP rs1887195926, ClinGen allele CA388874722.

ClinVar aggregate classification (germline): Uncertain significance (1 of 4 stars; one submission).

Allele frequency attached by ClinVar (database versions not stated): TOPMed below 0.00001; gnomAD exomes 0.00001.
gnomAD v4.1: 16 of 1,524,778 alleles (0.001%); highest among the groups gnomAD compares: Non-Finnish European, 0.0012%; no homozygotes.

Submission:

Labcorp Genetics (formerly Invitae), Labcorp
Classification: Uncertain significance. Last evaluated: 2022-01-03. Review status: criteria provided, single submitter. Criteria: Invitae Variant Classification Sherloc (09022015). Collection method: clinical testing. Allele origin: germline.
Comment: In summary, the available evidence is currently insufficient to determine the role of this variant in disease. Therefore, it has been classified as a Variant of Uncertain Significance. Algorithms developed to predict the effect of missense changes on protein structure and function (SIFT, PolyPhen-2, Align-GVGD) all suggest that this variant is likely to be tolerated. This variant has not been reported in the literature in individuals affected with CHD8-related conditions. This variant is not present in population databases (gnomAD no frequency). This sequence change replaces threonine, which is neutral and polar, with isoleucine, which is neutral and non-polar, at codon 2528 of the CHD8 protein (p.Thr2528Ile).